The following is an entry in ClinVar:

ClinVar aggregate classification (germline): Pathogenic (1 of 4 stars; one submission).

Conditions:
Combined immunodeficiency due to CD3gamma deficiency. Also called: CD3-GAMMA DEFICIENCY; SCID-LIKE IMMUNODEFICIENCY, T CELL-PARTIAL, B CELL-POSITIVE, NK CELL-POSITIVE; Immunodeficiency 17; Immunodeficiency 17, CD3 gamma deficient. Identifiers: Orphanet 169082, MedGen C3810107, MONDO:0014276, OMIM 615607.

gnomAD v4.1: 10 of 1,612,016 alleles (0.00062%); highest among the groups gnomAD compares: Admixed American, 0.012%; no homozygotes.

Submission:

Labcorp Genetics (formerly Invitae), Labcorp
Classification: Pathogenic for Combined immunodeficiency due to CD3gamma deficiency. Last evaluated: 2025-11-12. Review status: criteria provided, single submitter. Criteria: Invitae Variant Classification Sherloc (09022015). Collection method: clinical testing. Allele origin: germline.
Comment: This sequence change affects an acceptor splice site in intron 2 of the CD3G gene. RNA analysis indicates that disruption of this splice site induces altered splicing and may result in an absent or altered protein product. This variant is present in population databases (rs775848095, gnomAD 0.02%). Disruption of this splice site has been observed in individual(s) with combined immunodeficiency due to CD3-gamma deficiency (PMID: 1635567, 24910257). In at least one individual the data is consistent with being in trans (on the opposite chromosome) from a pathogenic variant. It has also been observed to segregate with disease in related individuals. Studies have shown that disruption of this splice site results in activation of a cryptic splice site, and produces a non-functional protein and/or introduces a premature termination codon (PMID: 1635567). For these reasons, this variant has been classified as Pathogenic.

Literature cited by the submitters: PubMed 1635567; PubMed 24910257.

NM_000073.3(CD3G):c.80-1G>C

Genes: CD3G (CD3 gamma subunit of T-cell receptor complex; plus strand), LOC126861358 (BRD4-independent group 4 enhancer GRCh37_chr11:118220212-118221411; plus strand). Cytogenetic location: 11q23.3.
Variant type: single nucleotide variant.
Coding change: c.80-1G>C on transcript NM_000073.3 (MANE Select); the canonical splice acceptor site of the intron before coding-DNA position 80, G replaced by C.
Molecular consequence: splice acceptor variant.
Genome position (GRCh38, 1-based): chr11:118,349,742, G>C. VCF-style: chr11-118349742-G-C. GRCh37 (hg19) VCF-style: chr11-118220457-G-C.
Other names: c.80-1G>C (NM_001440319.1).
Identifiers: ClinVar variation 4709890 (VCV004709890.1).
Genomic context (GRCh38, chr11:118,349,742, plus strand): 5'-AGAAGCAGGGAGAATTTCAGAGGCAAGATCCTTAATAGAACCACGGCTTTTCTCATTTCA[G>C]GAAACCACTTGGTTAAGGTGTATGACTATCAAGAAGATGGTTCGGTACTTCTGACTTGTG-3'